The following is an entry in ClinVar:

NM_178857.6(RP1L1):c.416C>T (p.Pro139Leu)

Gene: RP1L1 (RP1 like 1). Cytogenetic location: 8p23.1.
Variant type: single nucleotide variant.
Coding change: c.416C>T on transcript NM_178857.6 (MANE Select); coding-DNA position 416, C replaced by T.
Protein change: p.Pro139Leu; replaces proline 139 with leucine.
Molecular consequence: missense variant.
Genome position (GRCh38, 1-based): chr8:10,622,786, G>A on the plus strand (C>T on the coding strand, the complement: RP1L1 is on the minus strand). VCF-style: chr8-10622786-G-A. GRCh37 (hg19) VCF-style: chr8-10480296-G-A.
Other names: short protein forms P139L.
Identifiers: ClinVar variation 1970130 (VCV001970130.5), dbSNP rs765761652, ClinGen allele CA4625713.
Genomic context (GRCh38, chr8:10,622,786, plus strand): 5'-TTCTTAATCAGCAGTATCCTCCGGGGGGTTTTAAGACTCTTCCGGGAGGAGGAGGTGCCT[G>A]GGGCTTCACGCTGGCCTTCGACATCCCGCAACTGCTGAGCAGTGGGGTTTCTCTCCTGTG-3'
Protein context (NP_849188.4, residues 129-149): LRDVEGQREA[Pro139Leu]GTSSSRKSLK

ClinVar aggregate classification (germline): Uncertain significance (1 of 4 stars; one submission).

Allele frequency attached by ClinVar (database versions not stated): TOPMed 0.00002; ExAC 0.00001; gnomAD 0.00002.
gnomAD v4.1: 9 of 1,612,732 alleles (0.00056%); highest among the groups gnomAD compares: African/African-American, 0.0013%; no homozygotes.

Submission:

Labcorp Genetics (formerly Invitae), Labcorp
Classification: Uncertain significance. Last evaluated: 2025-10-21. Review status: criteria provided, single submitter. Criteria: Invitae Variant Classification Sherloc (09022015). Collection method: clinical testing. Allele origin: germline.
Comment: This sequence change replaces proline, which is neutral and non-polar, with leucine, which is neutral and non-polar, at codon 139 of the RP1L1 protein (p.Pro139Leu). This variant is present in population databases (rs765761652, gnomAD 0.007%). This variant has not been reported in the literature in individuals affected with RP1L1-related conditions. ClinVar contains an entry for this variant (Variation ID: 1970130). Invitae Evidence Modeling of protein sequence and biophysical properties (such as structural, functional, and spatial information, amino acid conservation, physicochemical variation, residue mobility, and thermodynamic stability) indicates that this missense variant is not expected to disrupt RP1L1 protein function with a negative predictive value of 80%. In summary, the available evidence is currently insufficient to determine the role of this variant in disease. Therefore, it has been classified as a Variant of Uncertain Significance.